The following is an entry in ClinVar:

ClinVar aggregate classification (germline): Likely pathogenic (1 of 4 stars; one submission).

Submission:

Labcorp Genetics (formerly Invitae), Labcorp
Classification: Likely pathogenic. Last evaluated: 2023-04-22. Review status: criteria provided, single submitter. Criteria: Invitae Variant Classification Sherloc (09022015). Collection method: clinical testing. Allele origin: germline.
Comment: In summary, the currently available evidence indicates that the variant is pathogenic, but additional data are needed to prove that conclusively. Therefore, this variant has been classified as Likely Pathogenic. Algorithms developed to predict the effect of sequence changes on RNA splicing suggest that this variant may disrupt the consensus splice site. Disruption of this splice site has been observed in individual(s) with clinical features of neuronal ceroid lipofuscinosis (PMID: 32961396). This variant is not present in population databases (gnomAD no frequency). This sequence change affects an acceptor splice site in intron 3 of the TPP1 gene. It is expected to disrupt RNA splicing. Variants that disrupt the donor or acceptor splice site typically lead to a loss of protein function (PMID: 16199547), and loss-of-function variants in TPP1 are known to be pathogenic (PMID: 10330339).

Literature cited by the submitters: PubMed 32961396; PubMed 16199547; PubMed 10330339.

NM_000391.4(TPP1):c.230-1G>A

Gene: TPP1 (tripeptidyl peptidase 1; minus strand). Cytogenetic location: 11p15.4.
Variant type: single nucleotide variant.
Coding change: c.230-1G>A on transcript NM_000391.4 (MANE Select); the canonical splice acceptor site of the intron before coding-DNA position 230, G replaced by A.
Molecular consequence: splice acceptor variant.
Genome position (GRCh38, 1-based): chr11:6,617,777, C>T on the plus strand (G>A on the coding strand, the complement: TPP1 is on the minus strand). VCF-style: chr11-6617777-C-T. GRCh37 (hg19) VCF-style: chr11-6639008-C-T.
Identifiers: ClinVar variation 2858128 (VCV002858128.3), dbSNP rs1057516667, ClinGen allele CA379476625.